The following is an entry in ClinVar:

NM_004006.3(DMD):c.5365G>C (p.Asp1789His)

Gene: DMD (dystrophin; minus strand). Cytogenetic location: Xp21.1.
Variant type: single nucleotide variant.
Coding change: c.5365G>C on transcript NM_004006.3 (MANE Select); coding-DNA position 5365, G replaced by C.
Protein change: p.Asp1789His; replaces aspartic acid 1789 with histidine.
Molecular consequence: missense variant.
Genome position (GRCh38, 1-based): chrX:32,348,489, C>G on the plus strand (G>C on the coding strand, the complement: DMD is on the minus strand). VCF-style: chrX-32348489-C-G. GRCh37 (hg19) VCF-style: chrX-32366606-C-G.
Other names: c.1333G>C, p.Asp445His (NM_004012.4); c.5341G>C, p.Asp1781His (NM_000109.4); c.5353G>C, p.Asp1785His (NM_004009.3); c.4996G>C, p.Asp1666His (NM_004010.3); c.1342G>C, p.Asp448His (NM_004011.4); short protein forms D1781H, D1789H, D1785H, D448H, D1666H, D445H.
Identifiers: ClinVar variation 3502587 (VCV003502587.1).
Genomic context (GRCh38, chrX:32,348,489, plus strand): 5'-CTTTCAGATTCACCCCCTGCTGAATTTCAGCCTCCAGTGGTTCAAGCAATTTTTGTATAT[C>G]TGAGTTAAACTGCTCCAATTCCTTCAAAGGAATGGAGGCCTAAAAAAAAAGATAGTGCTA-3'
Protein context (NP_003997.2, residues 1779-1799): PLKELEQFNS[Asp1789His]IQKLLEPLEA

ClinVar aggregate classification (germline): Uncertain significance (1 of 4 stars; one submission).

Conditions:
Cardiovascular phenotype. Identifiers: MedGen CN230736.

Submission:

Ambry Genetics
Classification: Uncertain significance for Cardiovascular phenotype. Last evaluated: 2024-09-22. Review status: criteria provided, single submitter. Criteria: Ambry Variant Classification Scheme 2023. Collection method: clinical testing. Allele origin: germline.
Comment: The p.D1789H variant (also known as c.5365G>C), located in coding exon 38 of the DMD gene, results from a G to C substitution at nucleotide position 5365. The aspartic acid at codon 1789 is replaced by histidine, an amino acid with similar properties. This amino acid position is well conserved in available vertebrate species. In addition, this alteration is predicted to be deleterious by in silico analysis. Based on the available evidence, the clinical significance of this variant remains unclear.